The following is an entry in ClinVar:

NM_004260.4(RECQL4):c.318del (p.Gln107fs)

Gene: RECQL4 (RecQ like helicase 4; minus strand). Cytogenetic location: 8q24.3.
Variant type: Deletion.
Coding change: c.318del on transcript NM_004260.4 (MANE Select); coding-DNA position 318, one base deleted (G; older notation c.318delG).
Protein change: p.Gln107fs; shifts the reading frame from glutamine 107.
Molecular consequence: frameshift variant.
Genome position (GRCh38, 1-based): chr8:144,517,086, C deleted on the plus strand (G on the coding strand, the reverse complement: RECQL4 is on the minus strand); the first of 3 consecutive C bases (chr8:144,517,086-144,517,088); deleting any one gives the same sequence. VCF-style (leftmost placement, unchanged base first): chr8-144517085-GC-G. GRCh37 (hg19) VCF-style: chr8-145742469-GC-G.
Other names: c.318delG (NM_004260.3); short protein forms Q107fs.
Identifiers: ClinVar variation 576993 (VCV000576993.5), dbSNP rs775439596, ClinGen allele CA4949379.

ClinVar aggregate classification (germline): Pathogenic (1 of 4 stars; one submission).

Conditions:
Baller-Gerold syndrome (BGS). Also called: CRANIOSYNOSTOSIS WITH RADIAL DEFECTS. Identifiers: Orphanet 1225, MedGen C0265308, MONDO:0009039, OMIM 218600.

Submission:

Labcorp Genetics (formerly Invitae), Labcorp
Classification: Pathogenic for Baller-Gerold syndrome. Last evaluated: 2025-07-21. Review status: criteria provided, single submitter. Criteria: Invitae Variant Classification Sherloc (09022015). Collection method: clinical testing. Allele origin: germline.
Comment: This sequence change creates a premature translational stop signal (p.Gln107Serfs*7) in the RECQL4 gene. It is expected to result in an absent or disrupted protein product. Loss-of-function variants in RECQL4 are known to be pathogenic (PMID: 12734318, 12952869). This variant is present in population databases (rs775439596, gnomAD 0.0009%). This variant has not been reported in the literature in individuals affected with RECQL4-related conditions. ClinVar contains an entry for this variant (Variation ID: 576993). For these reasons, this variant has been classified as Pathogenic.

Literature cited by the submitters: PubMed 12734318; PubMed 12952869.